The following is an entry in ClinVar:

NM_001382241.1(TNPO2):c.678C>A (p.Asp226Glu)

Gene: TNPO2 (transportin 2; minus strand). Cytogenetic location: 19p13.13.
Variant type: single nucleotide variant.
Coding change: c.678C>A on transcript NM_001382241.1 (MANE Select); coding-DNA position 678, C replaced by A.
Protein change: p.Asp226Glu; replaces aspartic acid 226 with glutamic acid.
Molecular consequence: missense variant. On other transcripts: non-coding transcript variant (6).
Genome position (GRCh38, 1-based): chr19:12,715,140, G>T on the plus strand (C>A on the coding strand, the complement: TNPO2 is on the minus strand). VCF-style: chr19-12715140-G-T. GRCh37 (hg19) VCF-style: chr19-12825954-G-T.
Other names: c.678C>A, p.Asp226Glu (NM_001382240.1, NM_001382242.1, NM_001382243.1 and 7 more transcripts); short protein forms D226E.
Identifiers: ClinVar variation 4530718 (VCV004530718.1).
Genomic context (GRCh38, chr19:12,715,140, plus strand): 5'-GTCAATCCGCACTTCCAGAAGCATCACCAGGGCACGGCACACATTCTTCCGCACCTCGGG[G>T]TCATCATCCACAGCCAGGGCAAATAGGTGCTGCAGGGAGGAACAGGGTCAGTTGTAGGGG-3'
Protein context (NP_001369170.1, residues 216-236): EHLFALAVDD[Asp226Glu]PEVRKNVCRA

ClinVar aggregate classification (germline): Uncertain significance (1 of 4 stars; one submission).

gnomAD v4.1: 1 of 1,604,776 alleles (0.000062%); highest among the groups gnomAD compares: Non-Finnish European, 0.000085%; no homozygotes.

Submission:

GeneDx
Classification: Uncertain significance. Last evaluated: 2025-05-23. Review status: criteria provided, single submitter. Criteria: GeneDx Variant Classification Process June 2021. Collection method: clinical testing. Allele origin: germline. Affected: yes.
Comment: Not observed at significant frequency in large population cohorts (gnomAD); In silico analysis suggests that this missense variant does not alter protein structure/function; Has not been previously published as pathogenic or benign to our knowledge